The following is an entry in ClinVar:

ClinVar aggregate classification (germline): Uncertain significance (1 of 4 stars; one submission).

Allele frequency attached by ClinVar (database versions not stated): gnomAD exomes below 0.00001.
gnomAD v4.1: 1 of 1,614,184 alleles (0.000062%); highest among the groups gnomAD compares: Non-Finnish European, 0.000085%; no homozygotes.

Submission:

Labcorp Genetics (formerly Invitae), Labcorp
Classification: Uncertain significance. Last evaluated: 2025-09-02. Review status: criteria provided, single submitter. Criteria: Invitae Variant Classification Sherloc (09022015). Collection method: clinical testing. Allele origin: germline.
Comment: This sequence change replaces isoleucine, which is neutral and non-polar, with valine, which is neutral and non-polar, at codon 1496 of the CACNA1D protein (p.Ile1496Val). This variant is not present in population databases (gnomAD no frequency). This variant has not been reported in the literature in individuals affected with CACNA1D-related conditions. ClinVar contains an entry for this variant (Variation ID: 1440713). Invitae Evidence Modeling of protein sequence and biophysical properties (such as structural, functional, and spatial information, amino acid conservation, physicochemical variation, residue mobility, and thermodynamic stability) indicates that this missense variant is not expected to disrupt CACNA1D protein function with a negative predictive value of 80%. In summary, the available evidence is currently insufficient to determine the role of this variant in disease. Therefore, it has been classified as a Variant of Uncertain Significance.

NM_001128840.3(CACNA1D):c.4426A>G (p.Ile1476Val)

Gene: CACNA1D (calcium voltage-gated channel subunit alpha1 D; plus strand). Cytogenetic location: 3p21.1.
Variant type: single nucleotide variant.
Coding change: c.4426A>G on transcript NM_001128840.3 (MANE Select); coding-DNA position 4426, A replaced by G.
Protein change: p.Ile1476Val; replaces isoleucine 1476 with valine.
Molecular consequence: missense variant.
Genome position (GRCh38, 1-based): chr3:53,776,666, A>G. VCF-style: chr3-53776666-A-G. GRCh37 (hg19) VCF-style: chr3-53810693-A-G.
Other names: c.4486A>G, p.Ile1496Val (NM_000720.4); c.4381A>G, p.Ile1461Val (NM_001128839.3); short protein forms I1476V, I1496V, I1461V.
Identifiers: ClinVar variation 1440713 (VCV001440713.6), dbSNP rs2109038769, ClinGen allele CA353242955.